The following is an entry in ClinVar:

ClinVar aggregate classification (germline): Uncertain significance (1 of 4 stars; one submission).

gnomAD v4.1: 1 of 1,613,970 alleles (0.000062%); highest among the groups gnomAD compares: Admixed American, 0.0017%; no homozygotes.

Submission:

Labcorp Genetics (formerly Invitae), Labcorp
Classification: Uncertain significance. Last evaluated: 2024-06-15. Review status: criteria provided, single submitter. Criteria: Invitae Variant Classification Sherloc (09022015). Collection method: clinical testing. Allele origin: germline.
Comment: This sequence change replaces glycine, which is neutral and non-polar, with serine, which is neutral and polar, at codon 491 of the FN1 protein (p.Gly491Ser). This variant is not present in population databases (gnomAD no frequency). This variant has not been reported in the literature in individuals affected with FN1-related conditions. Advanced modeling of protein sequence and biophysical properties (such as structural, functional, and spatial information, amino acid conservation, physicochemical variation, residue mobility, and thermodynamic stability) performed at Invitae indicates that this missense variant is expected to disrupt FN1 protein function with a positive predictive value of 80%. In summary, the available evidence is currently insufficient to determine the role of this variant in disease. Therefore, it has been classified as a Variant of Uncertain Significance.

NM_212482.4(FN1):c.1471G>A (p.Gly491Ser)

Gene: FN1 (fibronectin 1; minus strand). Cytogenetic location: 2q35.
Variant type: single nucleotide variant.
Coding change: c.1471G>A on transcript NM_212482.4 (MANE Select); coding-DNA position 1471, G replaced by A.
Protein change: p.Gly491Ser; replaces glycine 491 with serine.
Molecular consequence: missense variant.
Genome position (GRCh38, 1-based): chr2:215,422,166, C>T on the plus strand (G>A on the coding strand, the complement: FN1 is on the minus strand). VCF-style: chr2-215422166-C-T. GRCh37 (hg19) VCF-style: chr2-216286889-C-T.
Other names: c.1471G>A, p.Gly491Ser (NM_001306129.2, NM_001306130.2, NM_001306131.2 and 14 more transcripts); short protein forms G491S.
Identifiers: ClinVar variation 3656728 (VCV003656728.2).
Genomic context (GRCh38, chr2:215,422,166, plus strand): 5'-AGGCAATGCATGTCCATTCCCCACGACCATTCCCAACACACGTGCACCTCATCATGTGAC[C>T]CATGTCATGCTGCTTATCCCACTGATCTCCAATGCGGTACATGACCCCTTCATTGGTTGT-3'
Protein context (NP_997647.2, residues 481-501): GDQWDKQHDM[Gly491Ser]HMMRCTCVGN